The following is an entry in ClinVar:

ClinVar aggregate classification (germline): Uncertain significance. Review status: criteria provided, multiple submitters, no conflicts (2 of 4 stars). 3 submissions from 3 submitters: Uncertain significance (3). Last evaluated 2024-12-31.

Conditions:
Cardiovascular phenotype. Identifiers: MedGen CN230736.
Hypertrophic cardiomyopathy 14. Identifiers: MedGen C2750467, MONDO:0013197, OMIM 613251.
Dilated cardiomyopathy 1EE (CMD1EE). Identifiers: Orphanet 154, MedGen C2750466, MONDO:0013198, OMIM 613252.
Hypertrophic cardiomyopathy 1 (CMH1). Also called: MYH7-Related Familial Hypertrophic Cardiomyopathy; Familial hypertrophic cardiomyopathy 1. Identifiers: MedGen C3495498, MONDO:0008647, OMIM 192600.
Atrial septal defect 3 (ASD3). Identifiers: Orphanet 1478, MedGen C3279790, MONDO:0013567, OMIM 614089.
Sick sinus syndrome 3, susceptibility to (SSS3). Identifiers: Orphanet 166282, MedGen C3279791, MONDO:0013568, OMIM 614090.

Allele frequency attached by ClinVar (database versions not stated): ExAC 0.00001; gnomAD exomes 0.00002; gnomAD 0.00003 and 0.00004; TOPMed 0.00006.
gnomAD v4.1: 14 of 1,613,958 alleles (0.00087%); highest among the groups gnomAD compares: Admixed American, 0.0067%; no homozygotes.

Submissions (3):

Ambry Genetics
Classification: Uncertain significance for Cardiovascular phenotype. Last evaluated: 2024-12-31. Review status: criteria provided, single submitter. Criteria: Ambry Variant Classification Scheme 2023. Collection method: clinical testing. Allele origin: germline.
Comment: The p.R204C variant (also known as c.610C>T), located in coding exon 5 of the MYH6 gene, results from a C to T substitution at nucleotide position 610. The arginine at codon 204 is replaced by cysteine, an amino acid with highly dissimilar properties. This amino acid position is highly conserved in available vertebrate species. In addition, this alteration is predicted to be tolerated by in silico analysis. Based on the available evidence, the clinical significance of this variant remains unclear.

Labcorp Genetics (formerly Invitae), Labcorp
Classification: Uncertain significance for Hypertrophic cardiomyopathy 14. Last evaluated: 2022-11-29. Review status: criteria provided, single submitter. Criteria: Invitae Variant Classification Sherloc (09022015). Collection method: clinical testing. Allele origin: germline.
Comment: In summary, the available evidence is currently insufficient to determine the role of this variant in disease. Therefore, it has been classified as a Variant of Uncertain Significance. Advanced modeling of protein sequence and biophysical properties (such as structural, functional, and spatial information, amino acid conservation, physicochemical variation, residue mobility, and thermodynamic stability) performed at Invitae indicates that this missense variant is expected to disrupt MYH6 protein function. ClinVar contains an entry for this variant (Variation ID: 574612). This variant has not been reported in the literature in individuals affected with MYH6-related conditions. This variant is present in population databases (rs756369181, gnomAD 0.02%). This sequence change replaces arginine, which is basic and polar, with cysteine, which is neutral and slightly polar, at codon 204 of the MYH6 protein (p.Arg204Cys).

Fulgent Genetics
Classification: Uncertain significance for Hypertrophic cardiomyopathy 1; Hypertrophic cardiomyopathy 14; Dilated cardiomyopathy 1EE; Atrial septal defect 3; Sick sinus syndrome 3, susceptibility to. Last evaluated: 2021-11-22. Review status: criteria provided, single submitter. Criteria: ACMG Guidelines, 2015. Collection method: clinical testing. Allele origin: unknown.

NM_002471.4(MYH6):c.610C>T (p.Arg204Cys)

Genes: MYH6 (myosin heavy chain 6; minus strand), LOC114827851 (VISTA enhancer hs2155; plus strand). Cytogenetic location: 14q11.2.
Variant type: single nucleotide variant.
Coding change: c.610C>T on transcript NM_002471.4 (MANE Select); coding-DNA position 610, C replaced by T.
Protein change: p.Arg204Cys; replaces arginine 204 with cysteine.
Molecular consequence: missense variant.
Genome position (GRCh38, 1-based): chr14:23,404,743, G>A on the plus strand (C>T on the coding strand, the complement: MYH6 is on the minus strand). VCF-style: chr14-23404743-G-A. GRCh37 (hg19) VCF-style: chr14-23873952-G-A.
Other names: short protein forms R204C.
Identifiers: ClinVar variation 574612 (VCV000574612.10), dbSNP rs756369181, ClinGen allele CA7116102.